The following is an entry in ClinVar:

NM_017807.4(OSGEP):c.497G>A (p.Arg166Gln)

Gene: OSGEP (O-sialoglycoprotein endopeptidase; minus strand). Cytogenetic location: 14q11.2.
Variant type: single nucleotide variant.
Coding change: c.497G>A on transcript NM_017807.4 (MANE Select); coding-DNA position 497, G replaced by A.
Protein change: p.Arg166Gln; replaces arginine 166 with glutamine.
Molecular consequence: missense variant.
Genome position (GRCh38, 1-based): chr14:20,449,181, C>T on the plus strand (G>A on the coding strand, the complement: OSGEP is on the minus strand). VCF-style: chr14-20449181-C-T. GRCh37 (hg19) VCF-style: chr14-20917340-C-T.
Other names: short protein forms R166Q.
Identifiers: ClinVar variation 4129140 (VCV004129140.2).
Genomic context (GRCh38, chr14:20,449,181, plus strand): 5'-TCCCAAAAATTCACCCACATTTTATGTTCTCTGCAGCCCCACTGGCTTACCTTCAGCACT[C>T]GAGCAAAACGATCCAGACAATTACCCACTGCAATATCGATGGTTTCCCCAAAGATACGGT-3'
Protein context (NP_060277.1, residues 156-176): AVGNCLDRFA[Arg166Gln]VLKISNDPSP

ClinVar aggregate classification (germline): Uncertain significance. Review status: criteria provided, multiple submitters, no conflicts (2 of 4 stars). 2 submissions from 2 submitters: Uncertain significance (2). Last evaluated 2026-04-13.

Conditions:
Inborn genetic diseases. Identifiers: MedGen C0950123, MeSH D030342.

Submissions (2):

GeneDx
Classification: Uncertain significance. Last evaluated: 2026-04-13. Review status: criteria provided, single submitter. Criteria: GeneDx Variant Classification Process June 2021. Collection method: clinical testing. Allele origin: germline.
Comment: Not observed at significant frequency in large population cohorts (gnomAD); In silico analysis supports that this missense variant has a deleterious effect on protein structure/function; Has not been previously published as pathogenic or benign to our knowledge

Ambry Genetics
Classification: Uncertain significance for Inborn genetic diseases. Last evaluated: 2025-09-01. Review status: criteria provided, single submitter. Criteria: Ambry Variant Classification Scheme 2023. Collection method: clinical testing. Allele origin: germline.